The following is an entry in ClinVar:

ClinVar aggregate classification (germline): Pathogenic/Likely pathogenic. Review status: criteria provided, multiple submitters, no conflicts (2 of 4 stars). 2 submissions from 2 submitters: Pathogenic (1); Likely pathogenic (1). Last evaluated 2024-07-23.

Conditions:
Ectopia lentis 2, isolated, autosomal recessive (ECTOL2). Identifiers: Orphanet 1885, MedGen C3541474, MONDO:0009152, OMIM 225100.
Ectopia lentis et pupillae. Also called: ECTOPIA LENTIS WITH ECTOPIA OF PUPIL. Identifiers: Orphanet 1885, MedGen C1644196, MONDO:0009153, OMIM 225200.

Submissions (2):

Labcorp Genetics (formerly Invitae), Labcorp
Classification: Pathogenic. Last evaluated: 2024-07-23. Review status: criteria provided, single submitter. Criteria: Invitae Variant Classification Sherloc (09022015). Collection method: clinical testing. Allele origin: germline.
Comment: This sequence change creates a premature translational stop signal (p.Ser118Phefs*15) in the ADAMTSL4 gene. It is expected to result in an absent or disrupted protein product. Loss-of-function variants in ADAMTSL4 are known to be pathogenic (PMID: 20564469, 28642162). This variant is not present in population databases (gnomAD no frequency). This variant has not been reported in the literature in individuals affected with ADAMTSL4-related conditions. For these reasons, this variant has been classified as Pathogenic.

Fulgent Genetics
Classification: Likely pathogenic for Ectopia lentis 2, isolated, autosomal recessive; Ectopia lentis et pupillae. Last evaluated: 2024-06-17. Review status: criteria provided, single submitter. Criteria: ACMG Guidelines, 2015. Collection method: clinical testing. Allele origin: germline.

Literature cited by the submitters: PubMed 20564469 (cited by Labcorp Genetics (formerly Invitae), Labcorp); PubMed 28642162 (cited by Labcorp Genetics (formerly Invitae), Labcorp).

NM_019032.6(ADAMTSL4):c.353del (p.Ser118fs)

Genes: ADAMTSL4 (ADAMTS like 4; plus strand), ADAMTSL4-AS2 (ADAMTSL4 antisense RNA 2; minus strand). Cytogenetic location: 1q21.2.
Variant type: Deletion.
Coding change: c.353del on transcript NM_019032.6 (MANE Select); coding-DNA position 353, one base deleted (C; older notation c.353delC).
Protein change: p.Ser118fs; shifts the reading frame from serine 118.
Molecular consequence: frameshift variant.
Genome position (GRCh38, 1-based): chr1:150,553,172, C deleted. VCF-style (leftmost placement, unchanged base first): chr1-150553171-TC-T. GRCh37 (hg19) VCF-style: chr1-150525647-TC-T.
Other names: c.353del, p.Ser118fs (NM_001288607.2, NM_001288608.2, NM_001378596.1 and 1 more transcripts); short protein forms S118fs.
Identifiers: ClinVar variation 3592527 (VCV003592527.3).